The following is an entry in ClinVar:

NM_014915.3(ANKRD26):c.4897A>T (p.Ile1633Phe)

Gene: ANKRD26 (ankyrin repeat domain 26; minus strand). Cytogenetic location: 10p12.1.
Variant type: single nucleotide variant.
Coding change: c.4897A>T on transcript NM_014915.3 (MANE Select); coding-DNA position 4897, A replaced by T.
Protein change: p.Ile1633Phe; replaces isoleucine 1633 with phenylalanine.
Molecular consequence: missense variant.
Genome position (GRCh38, 1-based): chr10:27,012,938, T>A on the plus strand (A>T on the coding strand, the complement: ANKRD26 is on the minus strand). VCF-style: chr10-27012938-T-A. GRCh37 (hg19) VCF-style: chr10-27301867-T-A.
Other names: c.4894A>T, p.Ile1632Phe (NM_001256053.2); short protein forms I1632F, I1633F.
Identifiers: ClinVar variation 5023565 (VCV005023565.1).

ClinVar aggregate classification (germline): Uncertain significance (1 of 4 stars; one submission).

Conditions:
Inborn genetic diseases. Identifiers: MedGen C0950123, MeSH D030342.

Submission:

Ambry Genetics
Classification: Uncertain significance for Inborn genetic diseases. Last evaluated: 2026-08-17. Review status: criteria provided, single submitter. Criteria: Ambry Variant Classification Scheme 2023. Collection method: clinical testing. Allele origin: germline.
Comment: The p.I1633F variant (also known as c.4897A>T), located in coding exon 32 of the ANKRD26 gene, results from an A to T substitution at nucleotide position 4897. The isoleucine at codon 1633 is replaced by phenylalanine, an amino acid with highly similar properties. This amino acid position is conserved. In addition, this alteration is predicted to be tolerated by in silico analysis. Based on the available evidence, the clinical significance of this variant remains unclear.